The following is an entry in ClinVar:

NM_080680.3(COL11A2):c.2678C>A (p.Pro893His)

Gene: COL11A2 (collagen type XI alpha 2 chain; minus strand). Cytogenetic location: 6p21.32.
Variant type: single nucleotide variant.
Coding change: c.2678C>A on transcript NM_080680.3 (MANE Select); coding-DNA position 2678, C replaced by A.
Protein change: p.Pro893His; replaces proline 893 with histidine.
Molecular consequence: missense variant.
Genome position (GRCh38, 1-based): chr6:33,173,506, G>T on the plus strand (C>A on the coding strand, the complement: COL11A2 is on the minus strand). VCF-style: chr6-33173506-G-T. GRCh37 (hg19) VCF-style: chr6-33141283-G-T.
Other names: c.2357C>A, p.Pro786His (NM_080679.3); c.2420C>A, p.Pro807His (NM_080681.3); short protein forms P807H, P786H, P893H.
Identifiers: ClinVar variation 1446801 (VCV001446801.6), dbSNP rs1415750932, ClinGen allele CA363641504.

ClinVar aggregate classification (germline): Uncertain significance (1 of 4 stars; one submission).

Allele frequency attached by ClinVar (database versions not stated): gnomAD 0.00001.

Submission:

Labcorp Genetics (formerly Invitae), Labcorp
Classification: Uncertain significance. Last evaluated: 2024-07-19. Review status: criteria provided, single submitter. Criteria: Invitae Variant Classification Sherloc (09022015). Collection method: clinical testing. Allele origin: germline.
Comment: This sequence change replaces proline, which is neutral and non-polar, with histidine, which is basic and polar, at codon 893 of the COL11A2 protein (p.Pro893His). This variant is not present in population databases (gnomAD no frequency). This variant has not been reported in the literature in individuals affected with COL11A2-related conditions. ClinVar contains an entry for this variant (Variation ID: 1446801). Advanced modeling of protein sequence and biophysical properties (such as structural, functional, and spatial information, amino acid conservation, physicochemical variation, residue mobility, and thermodynamic stability) performed at Invitae indicates that this missense variant is not expected to disrupt COL11A2 protein function with a negative predictive value of 95%. In summary, the available evidence is currently insufficient to determine the role of this variant in disease. Therefore, it has been classified as a Variant of Uncertain Significance.